The following is an entry in ClinVar:

NM_001195553.2(DCX):c.-22-404A>G

Gene: DCX (doublecortin; minus strand). Cytogenetic location: Xq23.
Variant type: single nucleotide variant.
Coding change: c.-22-404A>G on transcript NM_001195553.2 (MANE Select); 404 bases into the intron before 22 bases upstream of the start codon, A replaced by G.
Molecular consequence: intron variant. On other transcripts: missense variant (1).
Genome position (GRCh38, 1-based): chrX:111,410,824, T>C on the plus strand (A>G on the coding strand, the complement: DCX is on the minus strand). VCF-style: chrX-111410824-T-C. GRCh37 (hg19) VCF-style: chrX-110654052-T-C.
Other names: c.151A>G, p.Met51Val (NM_000555.3); c.-22-404A>G (NM_001369373.1, NM_178153.3, NM_001369372.1 and 6 more transcripts); short protein forms M51V.
Identifiers: ClinVar variation 4821748 (VCV004821748.5).

ClinVar aggregate classification (germline): Likely benign. Review status: criteria provided, multiple submitters, no conflicts (2 of 4 stars). 2 submissions from 2 submitters: Likely benign (2). Last evaluated 2026-01-01.

gnomAD v4.1: 162 of 1,209,286 alleles (0.013%); highest among the groups gnomAD compares: South Asian, 0.21%; no homozygotes.

Submissions (2):

CeGaT Center for Human Genetics Tuebingen
Classification: Likely benign. Last evaluated: 2026-01-01. Review status: criteria provided, single submitter. Criteria: CeGaT Center For Human Genetics Tuebingen Variant Classification Criteria Version 2. Collection method: clinical testing. Allele origin: germline. Affected: yes. Observed: 1 variant allele.
Comment: DCX: BS2

Blueprint Genetics
Classification: Likely benign. Last evaluated: 2023-11-30. Review status: criteria provided, single submitter. Criteria: ACMG Guidelines, 2015. Collection method: clinical testing. Allele origin: germline.